The following is an entry in ClinVar:

NM_130839.5(UBE3A):c.1133C>G (p.Ala378Gly)

Genes: SNHG14 (small nucleolar RNA host gene 14; plus strand), UBE3A (ubiquitin protein ligase E3A; minus strand). Cytogenetic location: 15q11.2.
Variant type: single nucleotide variant.
Coding change: c.1133C>G on transcript NM_130839.5 (MANE Select); coding-DNA position 1133, C replaced by G.
Protein change: p.Ala378Gly; replaces alanine 378 with glycine.
Molecular consequence: missense variant. On other transcripts: non-coding transcript variant (1), intron variant (2).
Genome position (GRCh38, 1-based): chr15:25,371,041, G>C on the plus strand (C>G on the coding strand, the complement: UBE3A is on the minus strand). VCF-style: chr15-25371041-G-C. GRCh37 (hg19) VCF-style: chr15-25616188-G-C.
Other names: c.1142C>G, p.Ala381Gly (NM_000462.5); c.1133C>G, p.Ala378Gly (NM_001354505.1, NM_001354538.2, NM_001354545.2); c.1073C>G, p.Ala358Gly (NM_001354506.2, NM_001354507.2, NM_001354508.2 and 17 more transcripts); c.956C>G, p.Ala319Gly (NM_001354546.2); c.301+4424C>G (NM_001354551.2); c.361+4424C>G (NM_001354550.2); short protein forms A358G, A319G, A378G, A381G.
Identifiers: ClinVar variation 569445 (VCV000569445.10), dbSNP rs1219606975, ClinGen allele CA391354278.

ClinVar aggregate classification (germline): Uncertain significance. Review status: criteria provided, multiple submitters, no conflicts (2 of 4 stars). 2 submissions from 2 submitters: Uncertain significance (2). Last evaluated 2024-07-03.

Conditions:
Angelman syndrome (AS). Also called: HAPPY PUPPET SYNDROME. Identifiers: Orphanet 72, MedGen C0162635, MONDO:0007113, OMIM 105830. Disease mechanism: loss of function. Inheritance: AS is caused by disruption of maternally imprinted UBE3A located within the 15q11.2-q13 Angelman syndrome/Prader-Willi syndrome (AS/PWS) region., imprinting disorder.

Allele frequency attached by ClinVar (database versions not stated): gnomAD exomes below 0.00001; TOPMed 0.00001.
gnomAD v4.1: 1 of 1,613,886 alleles (0.000062%); highest among the groups gnomAD compares: Non-Finnish European, 0.000085%; no homozygotes.

Submissions (2):

GeneDx
Classification: Uncertain significance. Last evaluated: 2024-07-03. Review status: criteria provided, single submitter. Criteria: GeneDx Variant Classification Process June 2021. Collection method: clinical testing. Allele origin: germline. Affected: yes.
Comment: Has not been previously published as pathogenic or benign to our knowledge; In silico analysis supports that this missense variant has a deleterious effect on protein structure/function; Not observed at significant frequency in large population cohorts (gnomAD)

Labcorp Genetics (formerly Invitae), Labcorp
Classification: Uncertain significance for Angelman syndrome. Last evaluated: 2018-06-23. Review status: criteria provided, single submitter. Criteria: Invitae Variant Classification Sherloc (09022015). Collection method: clinical testing. Allele origin: germline.
Comment: In summary, the available evidence is currently insufficient to determine the role of this variant in disease. Therefore, it has been classified as a Variant of Uncertain Significance. Algorithms developed to predict the effect of missense changes on protein structure and function are either unavailable or do not agree on the potential impact of this missense change (SIFT: "Tolerated"; PolyPhen-2: "Possibly Damaging"; Align-GVGD: "Class C0"). This variant has not been reported in the literature in individuals with UBE3A-related disease. This variant is not present in population databases (ExAC no frequency). This sequence change replaces alanine with glycine at codon 358 of the UBE3A protein (p.Ala358Gly). The alanine residue is highly conserved and there is a small physicochemical difference between alanine and glycine.